The following is an entry in ClinVar:

NM_005629.4(SLC6A8):c.249C>A (p.Tyr83Ter)

Gene: SLC6A8 (solute carrier family 6 member 8; plus strand). Cytogenetic location: Xq28.
Variant type: single nucleotide variant.
Coding change: c.249C>A on transcript NM_005629.4 (MANE Select); coding-DNA position 249, C replaced by A.
Protein change: p.Tyr83Ter; replaces tyrosine 83 with a stop codon.
Molecular consequence: nonsense.
Genome position (GRCh38, 1-based): chrX:153,688,823, C>A. VCF-style: chrX-153688823-C-A. GRCh37 (hg19) VCF-style: chrX-152954278-C-A.
Other names: c.249C>A, p.Tyr83Ter (NM_001142805.2); short protein forms Y83*.
Identifiers: ClinVar variation 1188803 (VCV001188803.3), dbSNP rs2148358634, ClinGen allele CA415077102.
Genomic context (GRCh38, chrX:153,688,823, plus strand): 5'-GTCGTGCGTGGGCTTCGCCGTGGGCTTGGGCAACGTGTGGCGCTTCCCCTACCTGTGCTA[C>A]AAGAACGGCGGAGGTGAGTTCCCCCGCCCGCCGCGGCCTCCTCCCCCAGCAGGCCGCCGG-3'

ClinVar aggregate classification (germline): Pathogenic. Review status: criteria provided, multiple submitters, no conflicts (2 of 4 stars). 2 submissions from 2 submitters: Pathogenic (2). Last evaluated 2025-08-01.

Conditions:
Creatine transporter deficiency (CCDS1). Also called: Creatine Transporter (CRTR) Deficiency; Mental retardation , X-linked with seizures, short stature and midface hypoplasia; Mental retardation , X-linked, with creatine transport deficiency; X-linked creatine transporter deficiency; X-linked creatine deficiency syndrome; SLC6A8-Related Creatine Transporter Deficiency. Identifiers: Orphanet 52503, MedGen C1845862, MONDO:0010305, OMIM 300352.

Submissions (2):

3billion
Classification: Pathogenic for Creatine transporter deficiency. Last evaluated: 2025-08-01. Review status: criteria provided, single submitter. Criteria: ACMG Guidelines, 2015. Collection method: clinical testing. Allele origin: germline. Affected: yes.
Comment: The variant is not observed in the gnomAD v4.1.0 dataset. Predicted Consequence/Location: Stop-gained (nonsense): predicted to result in a loss or disruption of normal protein function through nonsense-mediated decay (NMD) or protein truncation. Multiple pathogenic variants are reported downstream of the variant. The variant has been reported to be associated with SLC6A8-related disorder (ClinVar ID: VCV001188803). Therefore, this variant is classified as Pathogenic according to the recommendation of ACMG/AMP guideline.

GeneDx
Classification: Pathogenic. Last evaluated: 2019-08-08. Review status: criteria provided, single submitter. Criteria: GeneDx Variant Classification Process June 2021. Collection method: clinical testing. Allele origin: germline. Affected: yes.
Comment: Nonsense variant predicted to result in protein truncation or nonsense mediated decay in a gene for which loss-of-function is a known mechanism of disease; Not observed in large population cohorts (Lek et al., 2016); Has not been previously published as pathogenic or benign to our knowledge